The following is an entry in ClinVar:

ClinVar aggregate classification (germline): Uncertain significance. Review status: criteria provided, multiple submitters, no conflicts (2 of 4 stars). 3 submissions from 3 submitters: Uncertain significance (3). Last evaluated 2025-07-30.

Conditions:
Familial thoracic aortic aneurysm and aortic dissection (TAAD). Also called: Thoracic aortic aneurysms and dissections. Identifiers: Orphanet 91387, MedGen C4707243, MONDO:0019625.
TGFBR2-related disorder. Also called: TGFBR2-related condition.

Submissions (3):

Labcorp Genetics (formerly Invitae), Labcorp
Classification: Uncertain significance for Familial thoracic aortic aneurysm and aortic dissection. Last evaluated: 2025-07-30. Review status: criteria provided, single submitter. Criteria: Invitae Variant Classification Sherloc (09022015). Collection method: clinical testing. Allele origin: germline.
Comment: This sequence change replaces aspartic acid, which is acidic and polar, with asparagine, which is neutral and polar, at codon 411 of the TGFBR2 protein (p.Asp411Asn). This variant is not present in population databases (gnomAD no frequency). This variant has not been reported in the literature in individuals affected with TGFBR2-related conditions. ClinVar contains an entry for this variant (Variation ID: 2632888). Invitae Evidence Modeling of protein sequence and biophysical properties (such as structural, functional, and spatial information, amino acid conservation, physicochemical variation, residue mobility, and thermodynamic stability) has been performed for this missense variant. However, the output from this modeling did not meet the statistical confidence thresholds required to predict the impact of this variant on TGFBR2 protein function. In summary, the available evidence is currently insufficient to determine the role of this variant in disease. Therefore, it has been classified as a Variant of Uncertain Significance.

Ambry Genetics
Classification: Uncertain significance for Familial thoracic aortic aneurysm and aortic dissection. Last evaluated: 2023-10-05. Review status: criteria provided, single submitter. Criteria: Ambry Variant Classification Scheme 2023. Collection method: clinical testing. Allele origin: germline.
Comment: The p.D411N variant (also known as c.1231G>A), located in coding exon 4 of the TGFBR2 gene, results from a G to A substitution at nucleotide position 1231. The aspartic acid at codon 411 is replaced by asparagine, an amino acid with highly similar properties. This amino acid position is conserved. In addition, this alteration is predicted to be tolerated by in silico analysis. Since supporting evidence is limited at this time, the clinical significance of this alteration remains unclear.

PreventionGenetics, part of Exact Sciences
Classification: Uncertain significance for TGFBR2-related condition. Last evaluated: 2023-04-18. Review status: criteria provided, single submitter. Criteria: ACMG Guidelines, 2015. Collection method: clinical testing. Allele origin: germline.
Comment: The TGFBR2 c.1231G>A variant is predicted to result in the amino acid substitution p.Asp411Asn. To our knowledge, this variant has not been reported in the literature or in a large population database, indicating this variant is rare. At this time, the clinical significance of this variant is uncertain due to the absence of conclusive functional and genetic evidence.

NM_003242.6(TGFBR2):c.1231G>A (p.Asp411Asn)

Gene: TGFBR2 (transforming growth factor beta receptor 2; plus strand). Cytogenetic location: 3p24.1.
Variant type: single nucleotide variant.
Coding change: c.1231G>A on transcript NM_003242.6 (MANE Select); coding-DNA position 1231, G replaced by A.
Protein change: p.Asp411Asn; replaces aspartic acid 411 with asparagine.
Molecular consequence: missense variant. On other transcripts: intron variant (1).
Genome position (GRCh38, 1-based): chr3:30,672,414, G>A. VCF-style: chr3-30672414-G-A. GRCh37 (hg19) VCF-style: chr3-30713906-G-A.
Other names: c.1306G>A, p.Asp436Asn (NM_001024847.3); c.1414G>A, p.Asp472Asn (NM_001407126.1); c.1339G>A, p.Asp447Asn (NM_001407127.1); c.1258G>A, p.Asp420Asn (NM_001407128.1); c.1234G>A, p.Asp412Asn (NM_001407129.1); c.1231G>A, p.Asp411Asn (NM_001407130.1); c.1126G>A, p.Asp376Asn (NM_001407132.1, NM_001407133.1, NM_001407134.1 and 2 more transcripts); c.946G>A, p.Asp316Asn (NM_001407137.1); and 2 more; short protein forms D291N, D316N, D376N, D411N, D412N, D420N, D436N, D447N.
Identifiers: ClinVar variation 2632888 (VCV002632888.5), dbSNP rs2125437038, ClinGen allele CA351808803.